The following is an entry in ClinVar:

NM_001267550.2(TTN):c.36280G>T (p.Val12094Leu)

Gene: TTN (titin; minus strand). Cytogenetic location: 2q31.2.
Variant type: single nucleotide variant.
Coding change: c.36280G>T on transcript NM_001267550.2 (MANE Select); coding-DNA position 36280, G replaced by T.
Protein change: p.Val12094Leu; replaces valine 12094 with leucine.
Molecular consequence: missense variant. On other transcripts: intron variant (5).
Genome position (GRCh38, 1-based): chr2:178,664,460, C>A on the plus strand (G>T on the coding strand, the complement: TTN is on the minus strand). VCF-style: chr2-178664460-C-A. GRCh37 (hg19) VCF-style: chr2-179529187-C-A.
Other names: c.13283-22143G>T (NM_003319.4); c.13859-22143G>T (NM_133437.4); c.13658-22143G>T (NM_133432.3); c.31484-1405G>T (NM_133378.4); c.34265-1405G>T (NM_001256850.1); short protein forms V12094L.
Identifiers: ClinVar variation 2064570 (VCV002064570.5), dbSNP rs753213447, ClinGen allele CA349499694.

ClinVar aggregate classification (germline): Uncertain significance. Review status: criteria provided, multiple submitters, no conflicts (2 of 4 stars). 2 submissions from 2 submitters: Uncertain significance (2). Last evaluated 2026-06-18.

Conditions:
Autosomal recessive limb-girdle muscular dystrophy type 2J (LGMDR10). Also called: Limb-girdle muscular dystrophy, type 2J; MUSCULAR DYSTROPHY, LIMB-GIRDLE, AUTOSOMAL RECESSIVE 10. Identifiers: Orphanet 140922, MedGen C1837342, MONDO:0012127, OMIM 608807.
Dilated cardiomyopathy 1G (CMD1G). Identifiers: Orphanet 154, MedGen C1858763, MONDO:0011400, OMIM 604145.

gnomAD v4.1: 17 of 1,609,248 alleles (0.0011%); highest among the groups gnomAD compares: Non-Finnish European, 0.0014%; no homozygotes.

Submissions (2):

Greenwood Genetic Center Diagnostic Laboratories, Greenwood Genetic Center
Classification: Uncertain significance. Last evaluated: 2026-06-18. Review status: criteria provided, single submitter. Criteria: ACMG Guidelines, 2015. Collection method: clinical testing. Allele origin: germline.
Comment: PM2, PP3

Labcorp Genetics (formerly Invitae), Labcorp
Classification: Uncertain significance for Dilated cardiomyopathy 1G; Autosomal recessive limb-girdle muscular dystrophy type 2J. Last evaluated: 2024-12-15. Review status: criteria provided, single submitter. Criteria: Invitae Variant Classification Sherloc (09022015). Collection method: clinical testing. Allele origin: germline.
Comment: This sequence change replaces valine, which is neutral and non-polar, with leucine, which is neutral and non-polar, at codon 12094 of the TTN protein (p.Val12094Leu). This variant also falls at the last nucleotide of exon 168, which is part of the consensus splice site for this exon. The frequency data for this variant in the population databases is considered unreliable, as metrics indicate poor data quality at this position in the gnomAD database. This variant has not been reported in the literature in individuals affected with TTN-related conditions. ClinVar contains an entry for this variant (Variation ID: 2064570). Experimental studies and prediction algorithms are not available or were not evaluated, and the functional significance of this variant is currently unknown. Variants that disrupt the consensus splice site are a relatively common cause of aberrant splicing (PMID: 17576681, 9536098). Algorithms developed to predict the effect of sequence changes on RNA splicing suggest that this variant may disrupt the consensus splice site. This variant is located in the I band of TTN (PMID: 25589632). Non-truncating variants in this region may be clinically relevant, but have not been definitively shown to cause cardiomyopathy or neuromuscular disease (PMID: 27493940, 32778822). In summary, the available evidence is currently insufficient to determine the role of this variant in disease. Therefore, it has been classified as a Variant of Uncertain Significance.

Literature cited by the submitters: PubMed 17576681 (cited by Labcorp Genetics (formerly Invitae), Labcorp); PubMed 9536098 (cited by Labcorp Genetics (formerly Invitae), Labcorp); PubMed 25589632 (cited by Labcorp Genetics (formerly Invitae), Labcorp); PubMed 27493940 (cited by Labcorp Genetics (formerly Invitae), Labcorp); PubMed 32778822 (cited by Labcorp Genetics (formerly Invitae), Labcorp).